The following is an entry in ClinVar:

ClinVar aggregate classification (germline): Uncertain significance (1 of 4 stars; one submission).

Allele frequency attached by ClinVar (database versions not stated): TOPMed below 0.00001.

Submission:

Athena Diagnostics
Classification: Uncertain significance. Last evaluated: 2023-07-19. Review status: criteria provided, single submitter. Criteria: Athena Diagnostics Criteria. Collection method: clinical testing. Allele origin: unknown.
Comment: Available data are insufficient to determine the clinical significance of the variant at this time. This variant has not been reported in large, multi-ethnic general populations. Computational tools yielded predictions that this variant may interfere with normal RNA splicing. They predicted both the loss of the natural splice site and the gain of a cryptic site. Therefore, the effect of this change on the transcript is unclear.

NM_030962.4(SBF2):c.3456-5T>A

Gene: SBF2 (SET binding factor 2; minus strand). Cytogenetic location: 11p15.4.
Variant type: single nucleotide variant.
Coding change: c.3456-5T>A on transcript NM_030962.4 (MANE Select); 5 bases into the intron before coding-DNA position 3456, T replaced by A.
Molecular consequence: intron variant.
Genome position (GRCh38, 1-based): chr11:9,832,425, A>T on the plus strand (T>A on the coding strand, the complement: SBF2 is on the minus strand). VCF-style: chr11-9832425-A-T. GRCh37 (hg19) VCF-style: chr11-9853972-A-T.
Other names: c.3492-5T>A (NM_001424318.1); c.3327-5T>A (NM_001386342.1); c.3456-5T>A (NM_001386339.1).
Identifiers: ClinVar variation 2684338 (VCV002684338.1), dbSNP rs1371166879, ClinGen allele CA682425011.